The following is an entry in ClinVar:

ClinVar aggregate classification (germline): Conflicting classifications of pathogenicity. Review status: criteria provided, conflicting classifications (1 of 4 stars). 2 submissions from 2 submitters: Uncertain significance (1); Likely benign (1). Last evaluated 2024-12-24.

Conditions:
Hereditary cancer-predisposing syndrome. Also called: Neoplastic Syndromes, Hereditary; Tumor predisposition; Hereditary neoplastic syndrome; Hereditary Cancer Syndrome. Identifiers: Orphanet 140162, MedGen C0027672, MeSH D009386, MONDO:0015356.
Familial cancer of breast. Also called: BREAST CANCER, FAMILIAL; hereditary breast carcinoma; Hereditary breast cancer. Identifiers: Orphanet 227535, MedGen C0346153, MONDO:0016419, OMIM 114480. Disease mechanism: loss of function.
Fanconi anemia complementation group J. Also called: BRIP1-Related Fanconi Anemia. Identifiers: Orphanet 84, MedGen C1836860, MONDO:0012187, OMIM 609054.

gnomAD v4.1: 1 of 1,613,778 alleles (0.000062%); highest among the groups gnomAD compares: Non-Finnish European, 0.000085%; no homozygotes.

Submissions (2):

Labcorp Genetics (formerly Invitae), Labcorp
Classification: Uncertain significance for Familial cancer of breast; Fanconi anemia complementation group J. Last evaluated: 2024-12-24. Review status: criteria provided, single submitter. Criteria: Invitae Variant Classification Sherloc (09022015). Collection method: clinical testing. Allele origin: germline.
Comment: This sequence change replaces asparagine, which is neutral and polar, with serine, which is neutral and polar, at codon 994 of the BRIP1 protein (p.Asn994Ser). This variant is not present in population databases (gnomAD no frequency). This variant has not been reported in the literature in individuals affected with BRIP1-related conditions. ClinVar contains an entry for this variant (Variation ID: 1798405). Invitae Evidence Modeling of protein sequence and biophysical properties (such as structural, functional, and spatial information, amino acid conservation, physicochemical variation, residue mobility, and thermodynamic stability) indicates that this missense variant is not expected to disrupt BRIP1 protein function with a negative predictive value of 95%. In summary, the available evidence is currently insufficient to determine the role of this variant in disease. Therefore, it has been classified as a Variant of Uncertain Significance.

Ambry Genetics
Classification: Likely benign for Hereditary cancer-predisposing syndrome. Last evaluated: 2022-03-16. Review status: criteria provided, single submitter. Criteria: Ambry Variant Classification Scheme 2023. Collection method: clinical testing. Allele origin: germline.

NM_032043.3(BRIP1):c.2981A>G (p.Asn994Ser)

Gene: BRIP1 (BRCA1 interacting DNA helicase 1; minus strand). Cytogenetic location: 17q23.2.
Variant type: single nucleotide variant.
Coding change: c.2981A>G on transcript NM_032043.3 (MANE Select); coding-DNA position 2981, A replaced by G.
Protein change: p.Asn994Ser; replaces asparagine 994 with serine.
Molecular consequence: missense variant.
Genome position (GRCh38, 1-based): chr17:61,684,065, T>C on the plus strand (A>G on the coding strand, the complement: BRIP1 is on the minus strand). VCF-style: chr17-61684065-T-C. GRCh37 (hg19) VCF-style: chr17-59761426-T-C.
Other names: short protein forms N994S.
Identifiers: ClinVar variation 1798405 (VCV001798405.3), dbSNP rs2144092407, ClinGen allele CA400480614.